The following is an entry in ClinVar:

NM_052945.4(TNFRSF13C):c.226G>T (p.Gly76Trp)

Genes: TNFRSF13C (TNF receptor superfamily member 13C; minus strand), LOC130067574 (ATAC-STARR-seq lymphoblastoid silent region 13813; plus strand). Cytogenetic location: 22q13.2.
Variant type: single nucleotide variant.
Coding change: c.226G>T on transcript NM_052945.4 (MANE Select); coding-DNA position 226, G replaced by T.
Protein change: p.Gly76Trp; replaces glycine 76 with tryptophan.
Molecular consequence: missense variant.
Genome position (GRCh38, 1-based): chr22:41,926,242, C>A on the plus strand (G>T on the coding strand, the complement: TNFRSF13C is on the minus strand). VCF-style: chr22-41926242-C-A. GRCh37 (hg19) VCF-style: chr22-42322246-C-A.
Other names: short protein forms G76W.
Identifiers: ClinVar variation 1061017 (VCV001061017.9), dbSNP rs1037657715, ClinGen allele CA324633601.
Genomic context (GRCh38, chr22:41,926,242, plus strand): 5'-CCAGGACCAGCGCCAGGACCAGTGCCAGGCCCAGCAGCGCGGGGGCGCCAAAGAGCAGCC[C>A]GGGCAGGGGCAGCGCCGCCTCGCCGGCCCCCGCGCCCACCGACTCCTGCGGCTGCAGCGC-3'
Protein context (NP_443177.1, residues 66-86): GAGEAALPLP[Gly76Trp]LLFGAPALLG

ClinVar aggregate classification (germline): Uncertain significance (1 of 4 stars; one submission).

Conditions:
Immunodeficiency, common variable, 4. Also called: ANTIBODY DEFICIENCY DUE TO BAFFR DEFECT. Identifiers: Orphanet 1572, Orphanet 696925, MedGen C3150739, MONDO:0013284, OMIM 613494.

Allele frequency attached by ClinVar (database versions not stated): gnomAD 0.00001; gnomAD exomes 0.00001; TOPMed below 0.00001.
gnomAD v4.1: 5 of 1,553,380 alleles (0.00032%); highest among the groups gnomAD compares: East Asian, 0.0024%; no homozygotes.

Submission:

Labcorp Genetics (formerly Invitae), Labcorp
Classification: Uncertain significance for Immunodeficiency, common variable, 4. Last evaluated: 2023-05-22. Review status: criteria provided, single submitter. Criteria: Invitae Variant Classification Sherloc (09022015). Collection method: clinical testing. Allele origin: germline.
Comment: In summary, the available evidence is currently insufficient to determine the role of this variant in disease. Therefore, it has been classified as a Variant of Uncertain Significance. An algorithm developed to predict the effect of missense changes on protein structure and function (PolyPhen-2) suggests that this variant is likely to be disruptive. ClinVar contains an entry for this variant (Variation ID: 1061017). This variant has not been reported in the literature in individuals affected with TNFRSF13C-related conditions. The frequency data for this variant in the population databases is considered unreliable, as metrics indicate poor data quality at this position in the gnomAD database. This sequence change replaces glycine, which is neutral and non-polar, with tryptophan, which is neutral and slightly polar, at codon 76 of the TNFRSF13C protein (p.Gly76Trp).